The following is an entry in ClinVar:

GRCh37/hg19 16p11.2(chr16:29589674-30226930)x1

Genes: MVP (major vault protein; plus strand), PAGR1 (PAXIP1 associated glutamate rich protein 1; plus strand), PPP4C (protein phosphatase 4 catalytic subunit; plus strand), TAOK2 (TAO kinase 2; plus strand), TBX6 (T-box transcription factor 6; minus strand) and 25 more. Cytogenetic location: 16p11.2.
Variant type: copy number loss.
Change: copy number 1 (one copy instead of two) of chr16:29,589,674-30,226,930 (637.3 kb, GRCh37 coordinates, 1-based), cytogenetic band 16p11.2.
Identifiers: ClinVar variation 2685573 (VCV002685573.1).

ClinVar aggregate classification (germline): Pathogenic (1 of 4 stars; one submission).

Submission:

Quest Diagnostics Nichols Institute San Juan Capistrano
Classification: Pathogenic. Last evaluated: 2023-03-16. Review status: criteria provided, single submitter. Criteria: ACMG/ClinGen CNV Guidelines, 2019. Collection method: clinical testing. Allele origin: unknown.
Comment: This copy number loss involves several genes including TBX6 (OMIM 602427) and is associated with the proximal (BP4-BP5) 16p11.2 microdeletion syndrome (OMIM 611913, Rehm et al., N Engl J Med. 2015 Jun 4;372(23):2235-42. PMID: 26014595 (ISCA-37400)). Inheritance from a normal or mildly affected parent has been reported, suggesting incomplete penetrance and variable expressivity. See GeneReviews for additional information and references.